The following is an entry in ClinVar:

ClinVar aggregate classification (germline): Uncertain significance. Review status: criteria provided, multiple submitters, no conflicts (2 of 4 stars). 2 submissions from 2 submitters: Uncertain significance (2). Last evaluated 2025-10-14.

Conditions:
Inborn genetic diseases. Identifiers: MedGen C0950123, MeSH D030342.

Submissions (2):

Labcorp Genetics (formerly Invitae), Labcorp
Classification: Uncertain significance. Last evaluated: 2025-10-14. Review status: criteria provided, single submitter. Criteria: Invitae Variant Classification Sherloc (09022015). Collection method: clinical testing. Allele origin: germline.
Comment: This sequence change replaces glycine, which is neutral and non-polar, with serine, which is neutral and polar, at codon 602 of the ACTN1 protein (p.Gly602Ser). This variant is not present in population databases (gnomAD no frequency). This variant has not been reported in the literature in individuals affected with ACTN1-related conditions. ClinVar contains an entry for this variant (Variation ID: 4002065). Invitae Evidence Modeling of protein sequence and biophysical properties (such as structural, functional, and spatial information, amino acid conservation, physicochemical variation, residue mobility, and thermodynamic stability) indicates that this missense variant is not expected to disrupt ACTN1 protein function with a negative predictive value of 80%. In summary, the available evidence is currently insufficient to determine the role of this variant in disease. Therefore, it has been classified as a Variant of Uncertain Significance.

Ambry Genetics
Classification: Uncertain significance for Inborn genetic diseases. Last evaluated: 2025-05-14. Review status: criteria provided, single submitter. Criteria: Ambry Variant Classification Scheme 2023. Collection method: clinical testing. Allele origin: germline.

NM_001130004.2(ACTN1):c.1804G>A (p.Gly602Ser)

Gene: ACTN1 (actinin alpha 1; minus strand). Cytogenetic location: 14q24.1.
Variant type: single nucleotide variant.
Coding change: c.1804G>A on transcript NM_001130004.2 (MANE Select); coding-DNA position 1804, G replaced by A.
Protein change: p.Gly602Ser; replaces glycine 602 with serine.
Molecular consequence: missense variant. On other transcripts: intron variant (5).
Genome position (GRCh38, 1-based): chr14:68,882,887, C>T on the plus strand (G>A on the coding strand, the complement: ACTN1 is on the minus strand). VCF-style: chr14-68882887-C-T. GRCh37 (hg19) VCF-style: chr14-69349604-C-T.
Other names: c.1804G>A, p.Gly602Ser (NM_001102.4, NM_001130005.2, NM_001424012.1 and 2 more transcripts); c.1828G>A, p.Gly610Ser (NM_001411035.1, NM_001424016.1); c.1609G>A, p.Gly537Ser (NM_001411036.1, NM_001424026.1, NM_001424028.1); c.1930G>A, p.Gly644Ser (NM_001424013.1); c.1891G>A, p.Gly631Ser (NM_001424015.1); c.1801G>A, p.Gly601Ser (NM_001424017.1); c.1765G>A, p.Gly589Ser (NM_001424018.1); c.1741G>A, p.Gly581Ser (NM_001424020.1, NM_001424022.1); and 3 more; short protein forms G579S, G644S, G537S, G610S, G631S, G581S, G589S, G602S.
Identifiers: ClinVar variation 4002065 (VCV004002065.2).